The following is an entry in ClinVar:

ClinVar aggregate classification (germline): Pathogenic. Review status: criteria provided, multiple submitters, no conflicts (2 of 4 stars). 3 submissions from 3 submitters: Pathogenic (2). 1 of the submissions does not count toward it. Last evaluated 2025-08-05.

Conditions:
Cerebral arteriopathy with subcortical infarcts and leukoencephalopathy. Also called: Cerebral autosomal dominant arteriopathy with subcortical infarcts and leukoencephalopathy. Identifiers: MedGen C0751587, MONDO:0007432.

Submissions (3):

Mayo Clinic Laboratories, Mayo Clinic
Classification: Pathogenic. Last evaluated: 2025-08-05. Review status: criteria provided, single submitter. Criteria: ACMG Guidelines, 2015. Collection method: clinical testing. Allele origin: germline. Observed: 2 variant alleles.
Comment: PP3_strong, PM1, PM2_supporting, PS4

Athena Diagnostics
Classification: Pathogenic. Last evaluated: 2021-04-28. Review status: criteria provided, single submitter. Criteria: Athena Diagnostics criteria. Collection method: clinical testing. Allele origin: unknown.
Comment: This variant has not been reported in large, multi-ethnic general populations. This variant has been identified in at least one individual with clinical features associated with this gene. This variant alters a critical location within the protein, and is expected to severely affect function and cause disease. Greater than 90% of NOTCH3 pathogenic mutations associated with CADASIL involve the gain or loss of a cysteine residue within the epidermal growth factor (EGF)-like repeat domain (PMID: 32457593, 20301673).

Molecular Genetics Laboratory, BC Children's and BC Women's Hospitals
Classification: Pathogenic for Cerebral arteriopathy with subcortical infarcts and leukoencephalopathy. Last evaluated: 2023-01-12. Review status: no assertion criteria provided. Criteria: ACMG Guidelines, 2015. Collection method: clinical testing. Allele origin: germline. Affected: yes. Not counted in ClinVar's aggregate classification.

Literature cited by the submitters: PubMed 15229130 (cited by Mayo Clinic Laboratories, Mayo Clinic); PubMed 19542611 (cited by Mayo Clinic Laboratories, Mayo Clinic and Athena Diagnostics); PubMed 20167921 (cited by Mayo Clinic Laboratories, Mayo Clinic); PubMed 24840674 (cited by Mayo Clinic Laboratories, Mayo Clinic); PubMed 28710804 (cited by Mayo Clinic Laboratories, Mayo Clinic and Athena Diagnostics); PubMed 28991717 (cited by Mayo Clinic Laboratories, Mayo Clinic and Athena Diagnostics); PubMed 29370179 (cited by Mayo Clinic Laboratories, Mayo Clinic); PubMed 29980472 (cited by Mayo Clinic Laboratories, Mayo Clinic); PubMed 30956055 (cited by Mayo Clinic Laboratories, Mayo Clinic); PubMed 32277177 (cited by Mayo Clinic Laboratories, Mayo Clinic and Athena Diagnostics); PubMed 11102981 (cited by Athena Diagnostics).

NM_000435.3(NOTCH3):c.581G>A (p.Cys194Tyr)

Gene: NOTCH3 (notch receptor 3; minus strand). Cytogenetic location: 19p13.12.
Variant type: single nucleotide variant.
Coding change: c.581G>A on transcript NM_000435.3 (MANE Select); coding-DNA position 581, G replaced by A.
Protein change: p.Cys194Tyr; replaces cysteine 194 with tyrosine.
Molecular consequence: missense variant.
Genome position (GRCh38, 1-based): chr19:15,192,058, C>T on the plus strand (G>A on the coding strand, the complement: NOTCH3 is on the minus strand). VCF-style: chr19-15192058-C-T. GRCh37 (hg19) VCF-style: chr19-15302869-C-T.
Other names: p.Cys194Tyr; short protein forms C194Y.
Identifiers: ClinVar variation 1256530 (VCV001256530.4), dbSNP rs2145441541, ClinGen allele CA404533466.